The following is an entry in ClinVar:

ClinVar aggregate classification (germline): Uncertain significance (1 of 4 stars; one submission).

Submission:

Dasa
Classification: Uncertain significance. Last evaluated: 2026-02-16. Review status: criteria provided, single submitter. Criteria: DASA Assertion Criteria. Collection method: clinical testing. Allele origin: germline.
Comment: NM_005862.3(STAG1):c.1076C>A (p.Thr359Asn) is a missense variant that results in the substitution of threonine with asparagine. This variant is rare in population databases. Computational prediction algorithms are consistent with a benign effect. The currently available literature and clinical evidence are not sufficient to establish a definitive association between this variant and the reported condition. Therefore, this variant is classified as a variant of uncertain significance.

NM_005862.3(STAG1):c.1076C>A (p.Thr359Asn)

Gene: STAG1 (STAG1 cohesin complex component; minus strand). Cytogenetic location: 3q22.3.
Variant type: single nucleotide variant.
Coding change: c.1076C>A on transcript NM_005862.3 (MANE Select); coding-DNA position 1076, C replaced by A.
Protein change: p.Thr359Asn; replaces threonine 359 with asparagine.
Molecular consequence: missense variant.
Genome position (GRCh38, 1-based): chr3:136,473,588, G>T on the plus strand (C>A on the coding strand, the complement: STAG1 is on the minus strand). VCF-style: chr3-136473588-G-T. GRCh37 (hg19) VCF-style: chr3-136192430-G-T.
Other names: short protein forms T359N.
Identifiers: ClinVar variation 4882216 (VCV004882216.2).
Genomic context (GRCh38, chr3:136,473,588, plus strand): 5'-TTGATGCTTACCTTGAATCGGTTAGTGAATAGTTCCAATTTGGGGAATAATTCTCTATTG[G>T]TATATAGACTCTGCAGAGCTTTCAAACACTTCAGCCTGACTTCCCCTTGCTTCAGAAATA-3'
Protein context (NP_005853.2, residues 349-369): KCLKALQSLY[Thr359Asn]NRELFPKLEL